The following is an entry in ClinVar:

ClinVar aggregate classification (germline): Pathogenic/Likely pathogenic. Review status: criteria provided, multiple submitters, no conflicts (2 of 4 stars). 2 submissions from 2 submitters: Pathogenic (1); Likely pathogenic (1). Last evaluated 2023-07-13.

Conditions:
Alstrom syndrome (ALMS). Identifiers: Orphanet 64, MedGen C0268425, MONDO:0008763, OMIM 203800.
ALMS1-related disorder. Also called: ALMS1-related condition.

Allele frequency attached by ClinVar (database versions not stated): gnomAD exomes below 0.00001.

Submissions (2):

Labcorp Genetics (formerly Invitae), Labcorp
Classification: Pathogenic for Alstrom syndrome. Last evaluated: 2023-07-13. Review status: criteria provided, single submitter. Criteria: Invitae Variant Classification Sherloc (09022015). Collection method: clinical testing. Allele origin: germline.
Comment: This variant has not been reported in the literature in individuals affected with ALMS1-related conditions. This variant is not present in population databases (gnomAD no frequency). This sequence change creates a premature translational stop signal (p.Met3883Valfs*9) in the ALMS1 gene. It is expected to result in an absent or disrupted protein product. Loss-of-function variants in ALMS1 are known to be pathogenic (PMID: 17594715). For these reasons, this variant has been classified as Pathogenic. ClinVar contains an entry for this variant (Variation ID: 659336).

Blueprint Genetics
Classification: Likely pathogenic for ALMS1-related disorders. Last evaluated: 2019-04-30. Review status: criteria provided, single submitter. Criteria: ACMG Guidelines, 2015. Collection method: clinical testing. Allele origin: germline. Affected: yes. Observed: 1 variant allele.

Literature cited by the submitters: PubMed 17594715 (cited by Labcorp Genetics (formerly Invitae), Labcorp).

NM_001378454.1(ALMS1):c.11644_11645del (p.Met3882fs)

Gene: ALMS1 (ALMS1 centrosome and basal body associated protein; plus strand). Cytogenetic location: 2p13.1.
Variant type: Deletion.
Coding change: c.11644_11645del on transcript NM_001378454.1 (MANE Select); coding-DNA positions 11644 to 11645, 2 bases deleted (AT; older notation c.11644_11645delAT).
Protein change: p.Met3882fs; shifts the reading frame from methionine 3882.
Molecular consequence: frameshift variant.
Genome position (GRCh38, 1-based): chr2:73,599,497-73,599,498, AT deleted. VCF-style (leftmost placement, unchanged base first): chr2-73599496-CAT-C. GRCh37 (hg19) VCF-style: chr2-73826623-CAT-C.
Other names: c.11647_11648delAT (NM_015120.4); c.11647_11648del, p.Met3883fs (NM_015120.4); short protein forms M3883fs, M3882fs.
Identifiers: ClinVar variation 659336 (VCV000659336.9), dbSNP rs1573052379, ClinGen allele CA915944029.